The following is an entry in ClinVar:

NM_144997.7(FLCN):c.824A>G (p.Glu275Gly)

Gene: FLCN (folliculin; minus strand). Cytogenetic location: 17p11.2.
Variant type: single nucleotide variant.
Coding change: c.824A>G on transcript NM_144997.7 (MANE Select); coding-DNA position 824, A replaced by G.
Protein change: p.Glu275Gly; replaces glutamic acid 275 with glycine.
Molecular consequence: missense variant.
Genome position (GRCh38, 1-based): chr17:17,221,584, T>C on the plus strand (A>G on the coding strand, the complement: FLCN is on the minus strand). VCF-style: chr17-17221584-T-C. GRCh37 (hg19) VCF-style: chr17-17124898-T-C.
Other names: c.878A>G, p.Glu293Gly (NM_001353229.2); c.824A>G, p.Glu275Gly (NM_001353230.2, NM_001353231.2, NM_144606.7); short protein forms E293G, E275G.
Identifiers: ClinVar variation 2134354 (VCV002134354.5), dbSNP rs2144932942, ClinGen allele CA398533712.
Genomic context (GRCh38, chr17:17,221,584, plus strand): 5'-ACCCCTGCCTCACCAGCGAGCTTCTCCATCTGGACCAAGGTATCCTCGGTCGGAGCACCT[T>C]CCAGGAGCTTCTCGGTCAGCCGGCTGCCACACGCCTTCAGGAGCCTGGAGAACACAGCAC-3'
Protein context (NP_659434.2, residues 265-285): CGSRLTEKLL[Glu275Gly]GAPTEDTLVQ

ClinVar aggregate classification (germline): Uncertain significance. Review status: criteria provided, multiple submitters, no conflicts (2 of 4 stars). 2 submissions from 2 submitters: Uncertain significance (2). Last evaluated 2024-04-07.

Conditions:
Birt-Hogg-Dube syndrome. Also called: Birt Hogg Dubé syndrome. Identifiers: Orphanet 122, MedGen C0346010, MONDO:0800444.
Hereditary cancer-predisposing syndrome. Also called: Hereditary Cancer Syndrome; Neoplastic Syndromes, Hereditary; Hereditary neoplastic syndrome; Tumor predisposition. Identifiers: Orphanet 140162, MedGen C0027672, MeSH D009386, MONDO:0015356.

Submissions (2):

Ambry Genetics
Classification: Uncertain significance for Hereditary cancer-predisposing syndrome. Last evaluated: 2024-04-07. Review status: criteria provided, single submitter. Criteria: Ambry Variant Classification Scheme 2023. Collection method: clinical testing. Allele origin: germline.
Comment: The p.E275G variant (also known as c.824A>G), located in coding exon 5 of the FLCN gene, results from an A to G substitution at nucleotide position 824. The glutamic acid at codon 275 is replaced by glycine, an amino acid with similar properties. This amino acid position is conserved. In addition, this alteration is predicted to be deleterious by in silico analysis. Based on the available evidence, the clinical significance of this variant remains unclear.

Labcorp Genetics (formerly Invitae), Labcorp
Classification: Uncertain significance for Birt-Hogg-Dube syndrome. Last evaluated: 2022-05-05. Review status: criteria provided, single submitter. Criteria: Invitae Variant Classification Sherloc (09022015). Collection method: clinical testing. Allele origin: germline.
Comment: This variant has not been reported in the literature in individuals affected with FLCN-related conditions. This variant is not present in population databases (gnomAD no frequency). This sequence change replaces glutamic acid, which is acidic and polar, with glycine, which is neutral and non-polar, at codon 275 of the FLCN protein (p.Glu275Gly). In summary, the available evidence is currently insufficient to determine the role of this variant in disease. Therefore, it has been classified as a Variant of Uncertain Significance. Algorithms developed to predict the effect of missense changes on protein structure and function are either unavailable or do not agree on the potential impact of this missense change (SIFT: "Tolerated"; PolyPhen-2: "Probably Damaging"; Align-GVGD: "Class C0").